The following is an entry in ClinVar:

NM_001173990.3(TMEM216):c.277G>A (p.Val93Met)

Gene: TMEM216 (transmembrane protein 216; plus strand). Cytogenetic location: 11q12.2.
Variant type: single nucleotide variant.
Coding change: c.277G>A on transcript NM_001173990.3 (MANE Select); coding-DNA position 277, G replaced by A.
Protein change: p.Val93Met; replaces valine 93 with methionine.
Molecular consequence: missense variant.
Genome position (GRCh38, 1-based): chr11:61,397,821, G>A. VCF-style: chr11-61397821-G-A. GRCh37 (hg19) VCF-style: chr11-61165293-G-A.
Other names: p.Val93Met; c.277G>A, p.Val93Met (NM_001173991.3); c.94G>A, p.Val32Met (NM_001330285.2, NM_016499.6); c.277G>A (NM_001173991.2); short protein forms V32M, V93M.
Identifiers: ClinVar variation 289040 (VCV000289040.13), dbSNP rs541257103, ClinGen allele CA6034740.

ClinVar aggregate classification (germline): Uncertain significance. Review status: criteria provided, multiple submitters, no conflicts (2 of 4 stars). 7 submissions from 7 submitters: Uncertain significance (6). 1 of the submissions does not count toward it. Last evaluated 2026-08-11.

Conditions:
Joubert syndrome. Also called: JOUBERT-BOLTSHAUSER SYNDROME; Familial aplasia of the vermis. Identifiers: Orphanet 475, MedGen C5979921, MONDO:0018772.
Meckel syndrome, type 2 (MKS2). Also called: MKS2-Related Meckel Syndrome; MECKEL-GRUBER SYNDROME, TYPE 2. Identifiers: Orphanet 564, MedGen C1864148, MONDO:0011296, OMIM 603194.
Joubert syndrome 2 (JBTS2). Also called: CEREBELLOOCULORENAL SYNDROME 2. Identifiers: Orphanet 2318, MedGen C1842577, MONDO:0011963, OMIM 608091.
TMEM216-related disorder. Also called: TMEM216-related disorders; TMEM216-related condition.

Allele frequency attached by ClinVar (database versions not stated): gnomAD exomes 0.00002 and 0.00010; gnomAD 0.00004; TOPMed 0.00006; ExAC 0.00009; 1000 Genomes Project 30x 0.00016; 1000 Genomes Project 0.00020.
gnomAD v4.1: 41 of 1,613,930 alleles (0.0025%); highest among the groups gnomAD compares: Admixed American, 0.037%; no homozygotes.

Submissions (7):

PreventionGenetics, part of Exact Sciences
Classification: Uncertain significance for TMEM216-related condition. Last evaluated: 2026-08-11. Review status: criteria provided, single submitter. Criteria: ACMG Guidelines, 2015. Collection method: clinical testing. Allele origin: germline.
Comment: The TMEM216 c.277G>A variant is predicted to result in the amino acid substitution p.Val93Met. To our knowledge, this variant has not been reported in the literature. This variant is reported in 0.039% of alleles in individuals of East Asian descent in gnomAD. At this time, the clinical significance of this variant is uncertain due to the absence of conclusive functional and genetic evidence.

Mayo Clinic Laboratories, Mayo Clinic
Classification: Uncertain significance. Last evaluated: 2025-01-19. Review status: criteria provided, single submitter. Criteria: ACMG Guidelines, 2015. Collection method: clinical testing. Allele origin: germline. Observed: 1 variant allele.

GeneDx
Classification: Uncertain significance. Last evaluated: 2024-02-25. Review status: criteria provided, single submitter. Criteria: GeneDx Variant Classification Process June 2021. Collection method: clinical testing. Allele origin: germline. Affected: yes.
Comment: In silico analysis supports that this missense variant does not alter protein structure/function; Has not been previously published as pathogenic or benign to our knowledge

Fulgent Genetics
Classification: Uncertain significance for Meckel syndrome, type 2; Joubert syndrome 2. Last evaluated: 2024-01-16. Review status: criteria provided, single submitter. Criteria: ACMG Guidelines, 2015. Collection method: clinical testing. Allele origin: germline.

Labcorp Genetics (formerly Invitae), Labcorp
Classification: Uncertain significance for Joubert syndrome. Last evaluated: 2022-10-17. Review status: criteria provided, single submitter. Criteria: Invitae Variant Classification Sherloc (09022015). Collection method: clinical testing. Allele origin: germline.
Comment: This sequence change replaces valine, which is neutral and non-polar, with methionine, which is neutral and non-polar, at codon 93 of the TMEM216 protein (p.Val93Met). This variant is present in population databases (rs541257103, gnomAD 0.04%). This variant has not been reported in the literature in individuals affected with TMEM216-related conditions. ClinVar contains an entry for this variant (Variation ID: 289040). Algorithms developed to predict the effect of missense changes on protein structure and function output the following: SIFT: "Deleterious"; PolyPhen-2: "Benign"; Align-GVGD: "Class C0". The methionine amino acid residue is found in multiple mammalian species, which suggests that this missense change does not adversely affect protein function. In summary, the available evidence is currently insufficient to determine the role of this variant in disease. Therefore, it has been classified as a Variant of Uncertain Significance.

Eurofins Ntd Llc (ga)
Classification: Uncertain significance. Last evaluated: 2016-06-21. Review status: criteria provided, single submitter. Criteria: EGL Classification Definitions 2015. Collection method: clinical testing. Allele origin: germline. Observed: 1 variant allele, 1 heterozygote.

Natera, Inc.
Classification: Uncertain significance for Joubert syndrome type 2. Last evaluated: 2020-02-27. Review status: no assertion criteria provided. Collection method: clinical testing. Allele origin: germline. Not counted in ClinVar's aggregate classification.